The following is an entry in ClinVar:

ClinVar aggregate classification (germline): Uncertain significance (1 of 4 stars; one submission).

Conditions:
PPARGC1A-related disorder. Also called: PPARGC1A-related condition.

Allele frequency attached by ClinVar (database versions not stated): gnomAD 0.00003; TOPMed 0.00005; ExAC 0.00007; ESP Exome Variant Server 0.00008; gnomAD exomes 0.00009.
gnomAD v4.1: 129 of 1,614,000 alleles (0.008%); highest among the groups gnomAD compares: Non-Finnish European, 0.011%; no homozygotes.

Submission:

PreventionGenetics, part of Exact Sciences
Classification: Uncertain significance for PPARGC1A-related condition. Last evaluated: 2022-10-24. Review status: criteria provided, single submitter. Criteria: ACMG Guidelines, 2015. Collection method: clinical testing. Allele origin: germline.
Comment: The PPARGC1A c.1501A>C variant is predicted to result in the amino acid substitution p.Lys501Gln. To our knowledge, this variant has not been reported in the literature. This variant is reported in 0.012% of alleles in individuals of European (Non-Finnish) descent in gnomAD. At this time, the clinical significance of this variant is uncertain due to the absence of conclusive functional and genetic evidence.

NM_013261.5(PPARGC1A):c.1486A>C (p.Lys496Gln)

Gene: PPARGC1A (PPARG coactivator 1 alpha; minus strand). Cytogenetic location: 4p15.2.
Variant type: single nucleotide variant.
Coding change: c.1486A>C on transcript NM_013261.5 (MANE Select); coding-DNA position 1486, A replaced by C.
Protein change: p.Lys496Gln; replaces lysine 496 with glutamine.
Molecular consequence: missense variant. On other transcripts: non-coding transcript variant (7).
Genome position (GRCh38, 1-based): chr4:23,813,997, T>G on the plus strand (A>C on the coding strand, the complement: PPARGC1A is on the minus strand). VCF-style: chr4-23813997-T-G. GRCh37 (hg19) VCF-style: chr4-23815620-T-G.
Other names: c.1501A>C, p.Lys501Gln (NM_001330751.2, NM_001354825.2, NM_001354827.2); c.1450A>C, p.Lys484Gln (NM_001330752.2); c.1105A>C, p.Lys369Gln (NM_001330753.2, NM_001354826.2); short protein forms K369Q, K484Q, K496Q, K501Q.
Identifiers: ClinVar variation 2635031 (VCV002635031.1), dbSNP rs200661963, ClinGen allele CA2875246.